The following is an entry in ClinVar:

ClinVar aggregate classification (germline): Uncertain significance. Review status: criteria provided, multiple submitters, no conflicts (2 of 4 stars). 2 submissions from 2 submitters: Uncertain significance (2). Last evaluated 2025-02-13.

Conditions:
Hereditary cancer-predisposing syndrome. Also called: Tumor predisposition; Neoplastic Syndromes, Hereditary; Hereditary Cancer Syndrome; Hereditary neoplastic syndrome. Identifiers: Orphanet 140162, MedGen C0027672, MeSH D009386, MONDO:0015356.
Familial adenomatous polyposis 1 (FAP1). Also called: POLYPOSIS, ADENOMATOUS INTESTINAL; FAMILIAL ADENOMATOUS POLYPOSIS 1, ATTENUATED. Identifiers: MedGen C2713442, MONDO:0021056, OMIM 175100. Disease mechanism: loss of function.

Submissions (2):

Labcorp Genetics (formerly Invitae), Labcorp
Classification: Uncertain significance for Familial adenomatous polyposis 1. Last evaluated: 2025-02-13. Review status: criteria provided, single submitter. Criteria: Invitae Variant Classification Sherloc (09022015). Collection method: clinical testing. Allele origin: germline.
Comment: This sequence change replaces serine, which is neutral and polar, with tyrosine, which is neutral and polar, at codon 1707 of the APC protein (p.Ser1707Tyr). This variant is not present in population databases (gnomAD no frequency). This variant has not been reported in the literature in individuals affected with APC-related conditions. Invitae Evidence Modeling of protein sequence and biophysical properties (such as structural, functional, and spatial information, amino acid conservation, physicochemical variation, residue mobility, and thermodynamic stability) indicates that this missense variant is not expected to disrupt APC protein function with a negative predictive value of 95%. In summary, the available evidence is currently insufficient to determine the role of this variant in disease. Therefore, it has been classified as a Variant of Uncertain Significance.

Ambry Genetics
Classification: Uncertain significance for Hereditary cancer-predisposing syndrome. Last evaluated: 2025-02-05. Review status: criteria provided, single submitter. Criteria: Ambry Variant Classification Scheme 2023. Collection method: clinical testing. Allele origin: germline.
Comment: The p.S1707Y variant (also known as c.5120C>A), located in coding exon 15 of the APC gene, results from a C to A substitution at nucleotide position 5120. The serine at codon 1707 is replaced by tyrosine, an amino acid with dissimilar properties. This amino acid position is conserved. In addition, in silico predictors for this gene do not accurately predict pathogenicity. Based on the available evidence, the clinical significance of this variant remains unclear.

NM_000038.6(APC):c.5120C>A (p.Ser1707Tyr)

Gene: APC (APC regulator of Wnt signaling pathway; plus strand). Cytogenetic location: 5q22.2.
Variant type: single nucleotide variant.
Coding change: c.5120C>A on transcript NM_000038.6 (MANE Select); coding-DNA position 5120, C replaced by A.
Protein change: p.Ser1707Tyr; replaces serine 1707 with tyrosine.
Molecular consequence: missense variant. On other transcripts: non-coding transcript variant (2).
Genome position (GRCh38, 1-based): chr5:112,840,714, C>A. VCF-style: chr5-112840714-C-A. GRCh37 (hg19) VCF-style: chr5-112176411-C-A.
Other names: c.5120C>A, p.Ser1707Tyr (NM_001127510.3, NM_001354895.2, NM_001407450.1); c.5066C>A, p.Ser1689Tyr (NM_001127511.3); c.5174C>A, p.Ser1725Tyr (NM_001354896.2, NM_001407447.1, NM_001407448.1 and 1 more transcripts); c.5150C>A, p.Ser1717Tyr (NM_001354897.2); c.5045C>A, p.Ser1682Tyr (NM_001354898.2); c.5036C>A, p.Ser1679Tyr (NM_001354899.2); c.4997C>A, p.Ser1666Tyr (NM_001354900.2); c.4943C>A, p.Ser1648Tyr (NM_001354901.2, NM_001407453.1); and 11 more; short protein forms S1682Y, S1697Y, S1323Y, S1424Y, S1581Y, S1624Y, S1679Y, S1717Y.
Identifiers: ClinVar variation 3879846 (VCV003879846.2).
Genomic context (GRCh38, chr5:112,840,714, plus strand): 5'-GAGATACCATTCCTACAGAAGGCAGAAGTACAGATGAGGCTCAAGGAGGAAAAACCTCAT[C>A]TGTAACCATACCTGAATTGGATGACAATAAAGCAGAGGAAGGTGATATTCTTGCAGAATG-3'
Protein context (NP_000029.2, residues 1697-1717): TDEAQGGKTS[Ser1707Tyr]VTIPELDDNK